The following is an entry in ClinVar:

ClinVar aggregate classification (germline): Uncertain significance (1 of 4 stars; one submission).

Conditions:
Interstitial lung disease 1. Identifiers: MedGen C5562021, MONDO:0030608, OMIM 619611.

Submission:

3billion
Classification: Uncertain significance for Interstitial lung disease 1. Last evaluated: 2022-09-01. Review status: criteria provided, single submitter. Criteria: ACMG Guidelines, 2015. Collection method: clinical testing. Allele origin: germline. Affected: yes. Observed: 1 heterozygote.
Comment: The variant is not observed in the gnomAD v2.1.1 dataset. Missense changes are a common disease-causing mechanism. A different missense change at the same codon (p.Trp211Arg) has been reported to be associated with SFTPA1 -related disorder (ClinVar ID: VCV001322016). However the evidence of pathogenicity is insufficient at this time. Therefore, this variant is classified as uncertain significance according to the recommendation of ACMG/AMP guideline.

NM_005411.5(SFTPA1):c.633G>T (p.Trp211Cys)

Gene: SFTPA1 (surfactant protein A1; plus strand). Cytogenetic location: 10q22.3.
Variant type: single nucleotide variant.
Coding change: c.633G>T on transcript NM_005411.5 (MANE Select); coding-DNA position 633, G replaced by T.
Protein change: p.Trp211Cys; replaces tryptophan 211 with cysteine.
Molecular consequence: missense variant.
Genome position (GRCh38, 1-based): chr10:79,613,999, G>T. VCF-style: chr10-79613999-G-T. GRCh37 (hg19) VCF-style: chr10-81373755-G-T.
Other names: c.678G>T, p.Trp226Cys (NM_001093770.3); c.633G>T, p.Trp211Cys (NM_001164644.2, NM_001164647.1); c.531G>T, p.Trp177Cys (NM_001164645.2); c.486G>T, p.Trp162Cys (NM_001164646.2); short protein forms W162C, W177C, W211C, W226C.
Identifiers: ClinVar variation 1705350 (VCV001705350.1), dbSNP rs1860021165, ClinGen allele CA377356638.